The following is an entry in ClinVar:

ClinVar aggregate classification (germline): Uncertain significance (1 of 4 stars; one submission).

Conditions:
Charcot-Marie-Tooth disease type 4A. Also called: Charcot-Marie-Tooth disease, demyelinating, autosomal recessive, type 4a. Identifiers: Orphanet 99948, MedGen C1859198, MONDO:0008961, OMIM 214400.

Submission:

Labcorp Genetics (formerly Invitae), Labcorp
Classification: Uncertain significance for Charcot-Marie-Tooth disease type 4A. Last evaluated: 2024-02-03. Review status: criteria provided, single submitter. Criteria: Invitae Variant Classification Sherloc (09022015). Collection method: clinical testing. Allele origin: germline.
Comment: This sequence change replaces glycine, which is neutral and non-polar, with aspartic acid, which is acidic and polar, at codon 241 of the GDAP1 protein (p.Gly241Asp). This variant is not present in population databases (gnomAD no frequency). This variant has not been reported in the literature in individuals affected with GDAP1-related conditions. An algorithm developed to predict the effect of missense changes on protein structure and function (PolyPhen-2) suggests that this variant is likely to be disruptive. In summary, the available evidence is currently insufficient to determine the role of this variant in disease. Therefore, it has been classified as a Variant of Uncertain Significance.

NM_018972.4(GDAP1):c.722G>A (p.Gly241Asp)

Gene: GDAP1 (ganglioside induced differentiation associated protein 1; plus strand). Cytogenetic location: 8q21.11.
Variant type: single nucleotide variant.
Coding change: c.722G>A on transcript NM_018972.4 (MANE Select); coding-DNA position 722, G replaced by A.
Protein change: p.Gly241Asp; replaces glycine 241 with aspartic acid.
Molecular consequence: missense variant. On other transcripts: intron variant (1).
Genome position (GRCh38, 1-based): chr8:74,364,012, G>A. VCF-style: chr8-74364012-G-A. GRCh37 (hg19) VCF-style: chr8-75276247-G-A.
Other names: c.518G>A, p.Gly173Asp (NM_001040875.4); c.395G>A, p.Gly132Asp (NM_001362929.2, NM_001362932.2); c.548G>A, p.Gly183Asp (NM_001362930.2); c.694+959G>A (NM_001362931.2); short protein forms G241D, G183D, G132D, G173D.
Identifiers: ClinVar variation 3638626 (VCV003638626.2).